The following is an entry in ClinVar:

NM_014140.4(SMARCAL1):c.1995C>T (p.Ala665=)

Gene: SMARCAL1 (SNF2 related chromatin remodeling annealing helicase 1; plus strand). Cytogenetic location: 2q35.
Variant type: single nucleotide variant.
Coding change: c.1995C>T on transcript NM_014140.4 (MANE Select); coding-DNA position 1995, C replaced by T.
Protein change: p.Ala665=; no amino-acid change (alanine 665 retained).
Molecular consequence: synonymous variant.
Genome position (GRCh38, 1-based): chr2:216,450,989, C>T. VCF-style: chr2-216450989-C-T. GRCh37 (hg19) VCF-style: chr2-217315712-C-T.
Other names: p.Ala665=; c.1995C>T, p.Ala665= (NM_001127207.2).
Identifiers: ClinVar variation 260340 (VCV000260340.23), dbSNP rs151241914, ClinGen allele CA2098066.
Genomic context (GRCh38, chr2:216,450,989, plus strand): 5'-CCTCAAGTCCGACGTCCTTTCCCAGCTGCCTGCCAAGCAGCGCAAGATAGTGGTGATTGC[C>T]CCAGGACGGATCAATGCCAGGACCAGAGCTGCCCTGGATGCTGCAGCCAAGGAAATGACC-3'
Protein context (NP_054859.2, residues 655-675): PAKQRKIVVI[Ala665=]PGRINARTRA

ClinVar aggregate classification (germline): Benign/Likely benign. Review status: criteria provided, multiple submitters, no conflicts (2 of 4 stars). 7 submissions from 7 submitters: Benign (2); Likely benign (5). Last evaluated 2026-01-31.

Conditions:
Schimke immuno-osseous dysplasia (SIOD). Also called: Schimke Immunoosseous Dysplasia. Identifiers: Orphanet 1830, MedGen C0877024, MONDO:0009458, OMIM 242900.

Allele frequency attached by ClinVar (database versions not stated): gnomAD exomes 0.00020 and 0.00062; ExAC 0.00079; gnomAD 0.00217 and 0.00237; TOPMed 0.00265; 1000 Genomes Project 0.00300; ESP Exome Variant Server 0.00331; 1000 Genomes Project 30x 0.00344.
gnomAD v4.1: 651 of 1,614,156 alleles (0.04%); highest among the groups gnomAD compares: African/African-American, 0.76%; 3 homozygotes.

Submissions (7):

Labcorp Genetics (formerly Invitae), Labcorp
Classification: Benign for Schimke immuno-osseous dysplasia. Last evaluated: 2026-01-31. Review status: criteria provided, single submitter. Criteria: Invitae Variant Classification Sherloc (09022015). Collection method: clinical testing. Allele origin: germline.

Mayo Clinic Laboratories, Mayo Clinic
Classification: Likely benign. Last evaluated: 2025-04-16. Review status: criteria provided, single submitter. Criteria: ACMG Guidelines, 2015. Collection method: clinical testing. Allele origin: germline. Observed: 2 variant alleles.
Comment: BS1, BP4, BP7

Blueprint Genetics
Classification: Likely benign. Last evaluated: 2024-11-14. Review status: criteria provided, single submitter. Criteria: ACMG Guidelines, 2015. Collection method: clinical testing. Allele origin: germline.

Illumina Laboratory Services, Illumina
Classification: Likely benign for Schimke immuno-osseous dysplasia. Last evaluated: 2018-01-13. Review status: criteria provided, single submitter. Criteria: ICSL Variant Classification Criteria 13 December 2019. Collection method: clinical testing. Allele origin: germline.
Comment: This variant was observed in the ICSL laboratory as part of a predisposition screen in an ostensibly healthy population. It had not been previously curated by ICSL or reported in the Human Gene Mutation Database (HGMD: prior to June 1st, 2018), and was therefore a candidate for classification through an automated scoring system. Utilizing variant allele frequency, disease prevalence and penetrance estimates, and inheritance mode, an automated score was calculated to assess if this variant is too frequent to cause the disease. Based on the score and internal cut-off values, a variant classified as likely benign is not then subjected to further curation. The score for this variant resulted in a classification of likely benign for this disease.

Eurofins Ntd Llc (ga)
Classification: Likely benign. Last evaluated: 2015-11-13. Review status: criteria provided, single submitter. Criteria: EGL Classification Definitions 2015. Collection method: clinical testing. Allele origin: germline. Observed: 2 variant alleles, 2 heterozygotes.

Breakthrough Genomics
Classification: Likely benign. Review status: criteria provided, single submitter. Criteria: ACMG Guidelines, 2015. Collection method: not provided. Allele origin: germline. Inheritance: Autosomal recessive inheritance. Affected: yes.

PreventionGenetics, part of Exact Sciences
Classification: Benign. Review status: criteria provided, single submitter. Criteria: ACMG Guidelines, 2015. Collection method: clinical testing. Allele origin: germline.